The following is an entry in ClinVar:

NM_000016.6(ACADM):c.279_280del (p.Asn94fs)

Gene: ACADM (acyl-CoA dehydrogenase medium chain; plus strand). Cytogenetic location: 1p31.1.
Variant type: Microsatellite.
Coding change: c.279_280del on transcript NM_000016.6 (MANE Select); coding-DNA positions 279 to 280, 2 bases deleted (GA; older notation c.279_280delGA).
Protein change: p.Asn94fs; shifts the reading frame from asparagine 94.
Molecular consequence: frameshift variant. On other transcripts: 5 prime UTR variant (1).
Genome position (GRCh38, 1-based): chr1:75,732,915-75,732,916, GA deleted; deleting any 2 consecutive bases within chr1:75,732,912-75,732,916 gives the same sequence; the c. name uses the placement nearest the transcript's 3' end. VCF-style (leftmost placement, unchanged base first): chr1-75732911-CAG-C. GRCh37 (hg19) VCF-style: chr1-76198596-CAG-C.
Other names: c.277_278GA[1], p.Asn94Leufs (NM_000016.5); c.291_292del, p.Asn98fs (NM_001127328.3); c.171_172del, p.Asn58fs (NM_001286042.2); c.279_280del, p.Asn94fs (NM_001286043.2); c.-109GA[1] (NM_001286044.2); c.279_280del (NM_000016.5); short protein forms N58fs, N94fs, N98fs.
Identifiers: ClinVar variation 4818256 (VCV004818256.1).

ClinVar aggregate classification (germline): Likely pathogenic (1 of 4 stars; one submission).

Conditions:
Medium-chain acyl-coenzyme A dehydrogenase deficiency (ACADMD). Also called: ACADM DEFICIENCY; CARNITINE DEFICIENCY SECONDARY TO MEDIUM-CHAIN ACYL-CoA DEHYDROGENASE DEFICIENCY; Medium chain acyl-CoA dehydrogenase deficiency; MCADH DEFICIENCY; MCADD; MCAD Deficiency. Identifiers: Orphanet 42, MedGen C0220710, MONDO:0008721, OMIM 201450.

Submission:

Natera, Inc.
Classification: Likely pathogenic for Medium Chain Acyl-CoA Dehydrogenase Deficiency. Last evaluated: 2024-11-18. Review status: criteria provided, single submitter. Criteria: Natera Variant Classification Schema (03/2026). Collection method: clinical testing. Allele origin: germline.
Comment: The c.279_280del variant in ACADM is a frameshift variant predicted to shift the reading frame beginning at codon 94 and leads to a stop codon 10 codons downstream. This variant is expected to result in nonsense mediated decay, truncation, or a dysfunctional protein product. This variant is rare in the general population with a frequency below the threshold expected for the associated phenotype(s). Given the available evidence, this variant is classified as Likely Pathogenic.